The following is an entry in ClinVar:

ClinVar aggregate classification (germline): Pathogenic (1 of 4 stars; one submission).

Conditions:
Pulmonary hypertension, primary, 2. Identifiers: Orphanet 422, MedGen C3888002, MONDO:0014134, OMIM 615342.

Submission:

Labcorp Genetics (formerly Invitae), Labcorp
Classification: Pathogenic for Pulmonary hypertension, primary, 2. Last evaluated: 2024-04-12. Review status: criteria provided, single submitter. Criteria: Invitae Variant Classification Sherloc (09022015). Collection method: clinical testing. Allele origin: germline.
Comment: This sequence change creates a premature translational stop signal (p.Lys67Glyfs*13) in the SMAD9 gene. It is expected to result in an absent or disrupted protein product. Loss-of-function variants in SMAD9 are known to be pathogenic (PMID: 19419974, 31727138). This variant is present in population databases (rs757791385, gnomAD 0.006%). This variant has not been reported in the literature in individuals affected with SMAD9-related conditions. For these reasons, this variant has been classified as Pathogenic.

Literature cited by the submitters: PubMed 19419974; PubMed 31727138.

NM_001127217.3(SMAD9):c.199_232del (p.Lys67fs)

Gene: SMAD9 (SMAD family member 9; minus strand). Cytogenetic location: 13q13.3.
Variant type: Deletion.
Coding change: c.199_232del on transcript NM_001127217.3 (MANE Select); coding-DNA positions 199 to 232, 34 bases deleted.
Protein change: p.Lys67fs; shifts the reading frame from lysine 67.
Molecular consequence: frameshift variant.
Genome position (GRCh38, 1-based): chr13:36,879,458-36,879,491, 34 bases deleted; deleting any 34 consecutive bases within chr13:36,879,458-36,879,493 gives the same sequence; the c. name uses the placement nearest the transcript's 3' end. GRCh37 (hg19): chr13:37,453,597-37,453,630.
Other names: c.199_232del, p.Lys67fs (NM_001378621.1, NM_005905.6); short protein forms K67fs.
Identifiers: ClinVar variation 3649700 (VCV003649700.2).